The following is an entry in ClinVar:

ClinVar aggregate classification (germline): Uncertain significance (1 of 4 stars; one submission).

Allele frequency attached by ClinVar (database versions not stated): gnomAD exomes below 0.00001; TOPMed below 0.00001.
gnomAD v4.1: 3 of 1,613,922 alleles (0.00019%); highest among the groups gnomAD compares: Non-Finnish European, 0.000085%; no homozygotes.

Submission:

GeneDx
Classification: Uncertain significance. Last evaluated: 2019-11-07. Review status: criteria provided, single submitter. Criteria: GeneDx Variant Classification Process June 2021. Collection method: clinical testing. Allele origin: germline. Affected: yes.
Comment: Not observed in large population cohorts (Lek et al., 2016); In silico analysis, which includes protein predictors and evolutionary conservation, supports a deleterious effect; Has not been previously published as pathogenic or benign to our knowledge

NM_007118.4(TRIO):c.5699G>T (p.Ser1900Ile)

Gene: TRIO (trio Rho guanine nucleotide exchange factor; plus strand). Cytogenetic location: 5p15.2.
Variant type: single nucleotide variant.
Coding change: c.5699G>T on transcript NM_007118.4 (MANE Select); coding-DNA position 5699, G replaced by T.
Protein change: p.Ser1900Ile; replaces serine 1900 with isoleucine.
Molecular consequence: missense variant. On other transcripts: non-coding transcript variant (1).
Genome position (GRCh38, 1-based): chr5:14,465,576, G>T. VCF-style: chr5-14465576-G-T. GRCh37 (hg19) VCF-style: chr5-14465685-G-T.
Other names: short protein forms S1900I.
Identifiers: ClinVar variation 1192968 (VCV001192968.2), dbSNP rs1754193473, ClinGen allele CA359233040.